The following is an entry in ClinVar:

ClinVar aggregate classification (germline): Likely benign. Review status: criteria provided, multiple submitters, no conflicts (2 of 4 stars). 2 submissions from 2 submitters: Likely benign (2). Last evaluated 2026-07-13.

Conditions:
TIMM8A-related condition.

Submissions (2):

PreventionGenetics, part of Exact Sciences
Classification: Likely benign for TIMM8A-related condition. Last evaluated: 2026-07-13. Review status: criteria provided, single submitter. Criteria: ACMG Guidelines, 2015. Collection method: clinical testing. Allele origin: germline.
Comment: This variant is classified as likely benign based on ACMG/AMP sequence variant interpretation guidelines (Richards et al. 2015 PMID: 25741868, with internal and published modifications).

Blueprint Genetics
Classification: Likely benign. Last evaluated: 2022-11-03. Review status: criteria provided, single submitter. Criteria: ACMG Guidelines, 2015. Collection method: clinical testing. Allele origin: germline.

NM_004085.4(TIMM8A):c.42A>C (p.Ala14=)

Gene: TIMM8A (translocase of inner mitochondrial membrane 8A; minus strand). Cytogenetic location: Xq22.1.
Variant type: single nucleotide variant.
Coding change: c.42A>C on transcript NM_004085.4 (MANE Select); coding-DNA position 42, A replaced by C.
Protein change: p.Ala14=; no amino-acid change (alanine 14 retained).
Molecular consequence: synonymous variant.
Genome position (GRCh38, 1-based): chrX:101,348,623, T>G on the plus strand (A>C on the coding strand, the complement: TIMM8A is on the minus strand). VCF-style: chrX-101348623-T-G. GRCh37 (hg19) VCF-style: chrX-100603611-T-G.
Other names: c.42A>C, p.Ala14= (NM_001145951.2); c.42A>C (NM_004085.3).
Identifiers: ClinVar variation 4952013 (VCV004952013.2).